The following is an entry in ClinVar:

NM_006554.5(MTX2):c.208+3_208+6del

Gene: MTX2 (metaxin 2; plus strand). Cytogenetic location: 2q31.1.
Variant type: Deletion.
Coding change: c.208+3_208+6del on transcript NM_006554.5 (MANE Select); bases 3 to 6 of the intron after coding-DNA position 208, 4 bases deleted (AAGT; older notation c.208+3_208+6delAAGT).
Molecular consequence: splice donor variant.
Genome position (GRCh38, 1-based): chr2:176,323,467-176,323,470, AAGT deleted; deleting any 4 consecutive bases within chr2:176,323,465-176,323,470 gives the same sequence; the c. name uses the placement nearest the transcript's 3' end. VCF-style (leftmost placement, unchanged base first): chr2-176323464-GGTAA-G. GRCh37 (hg19) VCF-style: chr2-177188192-GGTAA-G.
Other names: c.178+3_178+6del (NM_001006635.3); c.208+3_208+6del (NM_001319098.2, NM_001319097.2).
Identifiers: ClinVar variation 805938 (VCV000805938.6), dbSNP rs1575058847, ClinGen allele CA915942214.
Genomic context (GRCh38, chr2:176,323,464, plus strand): 5'-ATGTGTAACTTGCCTATCAAAGTAGTTTGTAGGGCAAATGCAGAATATATGTCTCCATCT[GGTAA>G]GTGTGTTTTTTTTTCTTCTCTGTTAATATTATGGAGTGATAAAATTATAGTGATAGTCCA-3'

ClinVar aggregate classification (germline): Pathogenic. Review status: no assertion criteria provided (0 of 4 stars). 2 submissions from 2 submitters: Pathogenic (2). Last evaluated 2021-01-04.

Conditions:
Progeroid mandibuloacral dysplasia.
Mandibuloacral dysplasia progeroid syndrome. Identifiers: Orphanet 647667, MedGen C5436867, MONDO:0030880, OMIM 619127.

Submissions (2):

OMIM
Classification: Pathogenic for MANDIBULOACRAL DYSPLASIA PROGEROID SYNDROME. Last evaluated: 2021-01-04. Review status: no assertion criteria provided. Collection method: literature only. Allele origin: germline.

Marseille Medical Genetics, U1251, Aix Marseille University, Inserm
Classification: Pathogenic for Progeroid mandibuloacral dysplasia. Last evaluated: 2017-11-01. Review status: no assertion criteria provided. Collection method: research. Allele origin: germline. Affected: yes and no. Observed: 3 variant alleles. Clinical features observed: Growth retardation, Bird-like facies, Mandibular recession,, Distal acro-osteolyses, Lipodystrophy, Altered skin pigmentation, Renal focal glomerulosclerosis, Extremely severe hypertension.
Comment: Disorder with autosomal recessive inheritance

Literature cited by the submitters: PubMed 32917887 (cited by OMIM).